The following is an entry in ClinVar:

NM_005228.5(EGFR):c.2251_2275del (p.Thr751fs)

Gene: EGFR (epidermal growth factor receptor; plus strand). Cytogenetic location: 7p11.2.
Variant type: Deletion.
Coding change: c.2251_2275del on transcript NM_005228.5 (MANE Select); coding-DNA positions 2251 to 2275, 25 bases deleted (ACATCTCCGAAAGCCAACAAGGAAA).
Protein change: p.Thr751fs; shifts the reading frame from threonine 751.
Molecular consequence: frameshift variant.
Genome position (GRCh38, 1-based): chr7:55,174,788-55,174,812, ACATCTCCGAAAGCCAACAAGGAAA deleted; deleting any 25 consecutive bases within chr7:55,174,787-55,174,812 gives the same sequence; the c. name uses the placement nearest the transcript's 3' end. VCF-style (leftmost placement, unchanged base first): chr7-55174786-CAACATCTCCGAAAGCCAACAAGGAA-C. GRCh37 (hg19) VCF-style: chr7-55242479-CAACATCTCCGAAAGCCAACAAGGAA-C.
Other names: c.2116_2140del, p.Thr706fs (NM_001346897.2, NM_001346899.2); c.2251_2275del, p.Thr751fs (NM_001346898.2); c.2092_2116del, p.Thr698fs (NM_001346900.2); c.1450_1474del, p.Thr484fs (NM_001346941.2); short protein forms T484fs, T698fs, T706fs, T751fs.
Identifiers: ClinVar variation 177693 (VCV000177693.4), dbSNP rs727504284, ClinGen allele CA180628.
Genomic context (GRCh38, chr7:55,174,786, plus strand): 5'-TCTGGATCCCAGAAGGTGAGAAAGTTAAAATTCCCGTCGCTATCAAGGAATTAAGAGAAG[CAACATCTCCGAAAGCCAACAAGGAA>C]ATCCTCGATGTGAGTTTCTGCTTTGCTGTGTGGGGGTCCATGGCTCTGAACCTCAGGCCC-3'

ClinVar aggregate classification (germline): Uncertain significance (0 of 4 stars; one submission).

Submission:

Laboratory for Molecular Medicine, Mass General Brigham Personalized Medicine
Classification: Uncertain significance. Last evaluated: 2006-10-28. Review status: no assertion criteria provided. Collection method: clinical testing. Allele origin: somatic. Observed: 1 variant allele.
Comment: (contact laboratory)